The following is an entry in ClinVar:

NM_004260.4(RECQL4):c.3536A>C (p.Gln1179Pro)

Gene: RECQL4 (RecQ like helicase 4; minus strand). Cytogenetic location: 8q24.3.
Variant type: single nucleotide variant.
Coding change: c.3536A>C on transcript NM_004260.4 (MANE Select); coding-DNA position 3536, A replaced by C.
Protein change: p.Gln1179Pro; replaces glutamine 1179 with proline.
Molecular consequence: missense variant.
Genome position (GRCh38, 1-based): chr8:144,511,522, T>G on the plus strand (A>C on the coding strand, the complement: RECQL4 is on the minus strand). VCF-style: chr8-144511522-T-G. GRCh37 (hg19) VCF-style: chr8-145736905-T-G.
Other names: short protein forms Q1179P.
Identifiers: ClinVar variation 951947 (VCV000951947.5), dbSNP rs939186872, ClinGen allele CA372666015.

ClinVar aggregate classification (germline): Uncertain significance (1 of 4 stars; one submission).

Conditions:
Baller-Gerold syndrome (BGS). Also called: CRANIOSYNOSTOSIS WITH RADIAL DEFECTS. Identifiers: Orphanet 1225, MedGen C0265308, MONDO:0009039, OMIM 218600.

Allele frequency attached by ClinVar (database versions not stated): gnomAD exomes below 0.00001; gnomAD 0.00001.
gnomAD v4.1: 4 of 1,612,452 alleles (0.00025%); highest among the groups gnomAD compares: Non-Finnish European, 0.00034%; no homozygotes.

Submission:

Labcorp Genetics (formerly Invitae), Labcorp
Classification: Uncertain significance for Baller-Gerold syndrome. Last evaluated: 2021-02-18. Review status: criteria provided, single submitter. Criteria: Invitae Variant Classification Sherloc (09022015). Collection method: clinical testing. Allele origin: germline.
Comment: In summary, the available evidence is currently insufficient to determine the role of this variant in disease. Therefore, it has been classified as a Variant of Uncertain Significance. Algorithms developed to predict the effect of missense changes on protein structure and function are either unavailable or do not agree on the potential impact of this missense change (SIFT: "Tolerated"; PolyPhen-2: "Not Available"; Align-GVGD: "Class C0"). This variant has not been reported in the literature in individuals with RECQL4-related conditions. This variant is not present in population databases (ExAC no frequency). This sequence change replaces glutamine with proline at codon 1179 of the RECQL4 protein (p.Gln1179Pro). The glutamine residue is weakly conserved and there is a moderate physicochemical difference between glutamine and proline.